The following is an entry in ClinVar:

ClinVar aggregate classification (germline): Uncertain significance (1 of 4 stars; one submission).

Conditions:
Developmental and epileptic encephalopathy, 23 (DEE23). Also called: Epileptic encephalopathy, early infantile, 23. Identifiers: Orphanet 411986, MedGen C4014492, MONDO:0014371, OMIM 615859.

Allele frequency attached by ClinVar (database versions not stated): gnomAD exomes below 0.00001 and 0.00001; ExAC 0.00001; gnomAD 0.00004; TOPMed 0.00004; ESP Exome Variant Server 0.00015.
gnomAD v4.1: 12 of 1,550,998 alleles (0.00077%); highest among the groups gnomAD compares: African/African-American, 0.0084%; no homozygotes.

Submission:

Labcorp Genetics (formerly Invitae), Labcorp
Classification: Uncertain significance for Developmental and epileptic encephalopathy, 23. Last evaluated: 2023-08-04. Review status: criteria provided, single submitter. Criteria: Invitae Variant Classification Sherloc (09022015). Collection method: clinical testing. Allele origin: germline.
Comment: This sequence change falls in intron 41 of the DOCK7 gene. It does not directly change the encoded amino acid sequence of the DOCK7 protein. It affects a nucleotide within the consensus splice site. This variant is present in population databases (rs373425629, gnomAD 0.01%). This variant has not been reported in the literature in individuals affected with DOCK7-related conditions. ClinVar contains an entry for this variant (Variation ID: 579930). In summary, the available evidence is currently insufficient to determine the role of this variant in disease. Therefore, it has been classified as a Variant of Uncertain Significance. Variants that disrupt the consensus splice site are a relatively common cause of aberrant splicing (PMID: 17576681, 9536098). Algorithms developed to predict the effect of sequence changes on RNA splicing suggest that this variant is not likely to affect RNA splicing.

Literature cited by the submitters: PubMed 17576681; PubMed 9536098.

NM_001367561.1(DOCK7):c.5362-3T>C

Gene: DOCK7 (dedicator of cytokinesis 7; minus strand). Cytogenetic location: 1p31.3.
Variant type: single nucleotide variant.
Coding change: c.5362-3T>C on transcript NM_001367561.1 (MANE Select); 3 bases into the intron before coding-DNA position 5362, T replaced by C.
Molecular consequence: intron variant.
Genome position (GRCh38, 1-based): chr1:62,489,068, A>G on the plus strand (T>C on the coding strand, the complement: DOCK7 is on the minus strand). VCF-style: chr1-62489068-A-G. GRCh37 (hg19) VCF-style: chr1-62954739-A-G.
Other names: c.5242-3T>C (NM_001272001.2, NM_001272000.2); c.5269-3T>C (NM_033407.4); c.5335-3T>C (NM_001271999.2, NM_001330614.2).
Identifiers: ClinVar variation 579930 (VCV000579930.7), dbSNP rs373425629, ClinGen allele CA885476.
Genomic context (GRCh38, chr1:62,489,068, plus strand): 5'-CTTCATGAATAGGAATAAGTACTTTGTAAACTTCATTAACTGCTTCATACATGCCAGCCT[A>G]TAAGAAAAAATTTTGTTAAGATGTTGCTTTCTTTTACATCAATAAGAAAGAAAAGTAATT-3'